The following is an entry in ClinVar:

ClinVar aggregate classification (germline): Pathogenic (1 of 4 stars; one submission).

Conditions:
Primary ciliary dyskinesia 3. Identifiers: Orphanet 244, MedGen C1837618, MONDO:0012085, OMIM 608644.

Submission:

Myriad Genetics, Inc.
Classification: Pathogenic for Primary ciliary dyskinesia 3. Last evaluated: 2026-05-30. Review status: criteria provided, single submitter. Criteria: Myriad Autosomal Dominant, Autosomal Recessive and X-Linked Classification Criteria (2023). Collection method: clinical testing. Allele origin: unknown.
Comment: NM_001369.2(DNAH5):c.8475delG(E2825Dfs*6) is expected to be pathogenic in the context of primary ciliary dyskinesia, DNAH5-related. This variant is predicted to lead to an abnormal or absent protein product due to the creation of a premature termination codon in DNAH5, a gene where loss-of-function variants are known to be pathogenic. Please note: this variant was assessed in the context of healthy population screening.

NM_001369.3(DNAH5):c.8475del (p.Glu2825fs)

Gene: DNAH5 (dynein axonemal heavy chain 5; minus strand). Cytogenetic location: 5p15.2.
Variant type: Deletion.
Coding change: c.8475del on transcript NM_001369.3 (MANE Select); coding-DNA position 8475, one base deleted (G; older notation c.8475delG).
Protein change: p.Glu2825fs; shifts the reading frame from glutamic acid 2825.
Molecular consequence: frameshift variant.
Genome position (GRCh38, 1-based): chr5:13,788,888, C deleted on the plus strand (G on the coding strand, the reverse complement: DNAH5 is on the minus strand). VCF-style (leftmost placement, unchanged base first): chr5-13788887-AC-A. GRCh37 (hg19) VCF-style: chr5-13788996-AC-A.
Other names: short protein forms E2825fs.
Identifiers: ClinVar variation 5015972 (VCV005015972.1).
Genomic context (GRCh38, chr5:13,788,887, plus strand): 5'-CCTTATCAAACCAGGTCACATCACTGGACACTGTGAAACGGTCAGCTATAACACGTTTAC[AC>A]TCATGCTTCCACAGCTTTAACAGATCCTGTTGAAAGTATAATTAAAATGTGTTAGTAATT-3'